The following is an entry in ClinVar:

NM_014264.5(PLK4):c.671T>C (p.Val224Ala)

Gene: PLK4 (polo like kinase 4; plus strand). Cytogenetic location: 4q28.1.
Variant type: single nucleotide variant.
Coding change: c.671T>C on transcript NM_014264.5 (MANE Select); coding-DNA position 671, T replaced by C.
Protein change: p.Val224Ala; replaces valine 224 with alanine.
Molecular consequence: missense variant.
Genome position (GRCh38, 1-based): chr4:127,886,041, T>C. VCF-style: chr4-127886041-T-C. GRCh37 (hg19) VCF-style: chr4-128807196-T-C.
Other names: c.575T>C, p.Val192Ala (NM_001190799.2); c.548T>C, p.Val183Ala (NM_001190801.2); short protein forms V224A, V183A, V192A.
Identifiers: ClinVar variation 972362 (VCV000972362.7), dbSNP rs1435248398, ClinGen allele CA358149246.

ClinVar aggregate classification (germline): Uncertain significance (1 of 4 stars; one submission).

Allele frequency attached by ClinVar (database versions not stated): gnomAD 0.00001; gnomAD exomes 0.00001.
gnomAD v4.1: 10 of 1,613,678 alleles (0.00062%); highest among the groups gnomAD compares: Non-Finnish European, 0.00076%; no homozygotes.

Submission:

Labcorp Genetics (formerly Invitae), Labcorp
Classification: Uncertain significance. Last evaluated: 2022-02-23. Review status: criteria provided, single submitter. Criteria: Invitae Variant Classification Sherloc (09022015). Collection method: clinical testing. Allele origin: germline.
Comment: This sequence change replaces valine, which is neutral and non-polar, with alanine, which is neutral and non-polar, at codon 224 of the PLK4 protein (p.Val224Ala). This variant is present in population databases (no rsID available, gnomAD 0.002%). This variant has not been reported in the literature in individuals affected with PLK4-related conditions. ClinVar contains an entry for this variant (Variation ID: 972362). Algorithms developed to predict the effect of missense changes on protein structure and function (SIFT, PolyPhen-2, Align-GVGD) all suggest that this variant is likely to be disruptive. In summary, the available evidence is currently insufficient to determine the role of this variant in disease. Therefore, it has been classified as a Variant of Uncertain Significance.